The following is an entry in ClinVar:

ClinVar aggregate classification (germline): Uncertain significance (1 of 4 stars; one submission).

gnomAD v4.1: 1 of 1,612,990 alleles (0.000062%); highest among the groups gnomAD compares: Non-Finnish European, 0.000085%; no homozygotes.

Submission:

Labcorp Genetics (formerly Invitae), Labcorp
Classification: Uncertain significance. Last evaluated: 2022-10-04. Review status: criteria provided, single submitter. Criteria: Invitae Variant Classification Sherloc (09022015). Collection method: clinical testing. Allele origin: germline.
Comment: In summary, the available evidence is currently insufficient to determine the role of this variant in disease. Therefore, it has been classified as a Variant of Uncertain Significance. Algorithms developed to predict the effect of missense changes on protein structure and function (SIFT, PolyPhen-2, Align-GVGD) all suggest that this variant is likely to be disruptive. This variant has not been reported in the literature in individuals affected with LRP2-related conditions. This variant is not present in population databases (gnomAD no frequency). This sequence change replaces cysteine, which is neutral and slightly polar, with tryptophan, which is neutral and slightly polar, at codon 3975 of the LRP2 protein (p.Cys3975Trp).

NM_004525.3(LRP2):c.11925C>G (p.Cys3975Trp)

Gene: LRP2 (LDL receptor related protein 2; minus strand). Cytogenetic location: 2q31.1.
Variant type: single nucleotide variant.
Coding change: c.11925C>G on transcript NM_004525.3 (MANE Select); coding-DNA position 11925, C replaced by G.
Protein change: p.Cys3975Trp; replaces cysteine 3975 with tryptophan.
Molecular consequence: missense variant.
Genome position (GRCh38, 1-based): chr2:169,157,465, G>C on the plus strand (C>G on the coding strand, the complement: LRP2 is on the minus strand). VCF-style: chr2-169157465-G-C. GRCh37 (hg19) VCF-style: chr2-170013975-G-C.
Other names: short protein forms C3975W.
Identifiers: ClinVar variation 2009552 (VCV002009552.4), dbSNP rs143815721, ClinGen allele CA349138419.